The following is an entry in ClinVar:

ClinVar aggregate classification (germline): Likely benign. Review status: criteria provided, multiple submitters, no conflicts (2 of 4 stars). 2 submissions from 2 submitters: Likely benign (2). Last evaluated 2022-01-27.

Conditions:
Cornelia de Lange syndrome 3 (CDLS3). Also called: SMC3-Related Cornelia de Lange Syndrome; CORNELIA DE LANGE SYNDROME 3 WITH OR WITHOUT MIDLINE BRAIN DEFECTS. Identifiers: Orphanet 199, MedGen C1853099, MONDO:0012555, OMIM 610759.

Allele frequency attached by ClinVar (database versions not stated): gnomAD below 0.00001 and 0.00001; gnomAD exomes 0.00001 and 0.00002; ExAC 0.00002; TOPMed 0.00002.
gnomAD v4.1: 16 of 1,611,342 alleles (0.00099%); highest among the groups gnomAD compares: Admixed American, 0.005%; no homozygotes.

Submissions (2):

Blueprint Genetics
Classification: Likely benign. Last evaluated: 2022-01-27. Review status: criteria provided, single submitter. Criteria: ACMG Guidelines, 2015. Collection method: clinical testing. Allele origin: germline.

Illumina Laboratory Services, Illumina
Classification: Likely benign for Cornelia de Lange syndrome 3. Last evaluated: 2018-01-13. Review status: criteria provided, single submitter. Criteria: ICSL Variant Classification Criteria 13 December 2019. Collection method: clinical testing. Allele origin: germline.
Comment: This variant was observed in the ICSL laboratory as part of a predisposition screen in an ostensibly healthy population. It had not been previously curated by ICSL or reported in the Human Gene Mutation Database (HGMD: prior to June 1st, 2018), and was therefore a candidate for classification through an automated scoring system. Utilizing variant allele frequency, disease prevalence and penetrance estimates, and inheritance mode, an automated score was calculated to assess if this variant is too frequent to cause the disease. Based on the score and internal cut-off values, a variant classified as likely benign is not then subjected to further curation. The score for this variant resulted in a classification of likely benign for this disease.

NM_005445.4(SMC3):c.2268+13A>G

Gene: SMC3 (structural maintenance of chromosomes 3; plus strand). Cytogenetic location: 10q25.2.
Variant type: single nucleotide variant.
Coding change: c.2268+13A>G on transcript NM_005445.4 (MANE Select); 13 bases into the intron after coding-DNA position 2268, A replaced by G.
Molecular consequence: intron variant.
Genome position (GRCh38, 1-based): chr10:110,598,303, A>G. VCF-style: chr10-110598303-A-G. GRCh37 (hg19) VCF-style: chr10-112358061-A-G.
Identifiers: ClinVar variation 298773 (VCV000298773.6), dbSNP rs755422141, ClinGen allele CA5688139.